The following is an entry in ClinVar:

NM_015896.4(ZMYND10):c.511-1G>A

Gene: ZMYND10 (zinc finger MYND-type containing 10; minus strand). Cytogenetic location: 3p21.31.
Variant type: single nucleotide variant.
Coding change: c.511-1G>A on transcript NM_015896.4 (MANE Select); the canonical splice acceptor site of the intron before coding-DNA position 511, G replaced by A.
Molecular consequence: splice acceptor variant.
Genome position (GRCh38, 1-based): chr3:50,343,207, C>T on the plus strand (G>A on the coding strand, the complement: ZMYND10 is on the minus strand). VCF-style: chr3-50343207-C-T. GRCh37 (hg19) VCF-style: chr3-50380638-C-T.
Other names: c.511-1G>A (NM_001308379.2).
Identifiers: ClinVar variation 3680265 (VCV003680265.2).
Genomic context (GRCh38, chr3:50,343,207, plus strand): 5'-TACTGAGAGGGCCTTCAGTGCAATCTCAAATTCCATCAGCTCTGCCTGCTTCTGCAGCTC[C>T]TGGGAGGTCACACAGTGTTCACGCTGGGCCACCCTCACCTGCGCAGGCCTTGGGGAACCC-3'

ClinVar aggregate classification (germline): Likely pathogenic (1 of 4 stars; one submission).

Conditions:
Primary ciliary dyskinesia. Also called: Ciliary dyskinesia. Identifiers: Orphanet 244, MedGen C0008780, MONDO:0016575, HP:0012265.

Submission:

Labcorp Genetics (formerly Invitae), Labcorp
Classification: Likely pathogenic for Primary ciliary dyskinesia. Last evaluated: 2024-02-20. Review status: criteria provided, single submitter. Criteria: Invitae Variant Classification Sherloc (09022015). Collection method: clinical testing. Allele origin: germline.
Comment: This sequence change affects an acceptor splice site in intron 5 of the ZMYND10 gene. It is expected to disrupt RNA splicing. Variants that disrupt the donor or acceptor splice site typically lead to a loss of protein function (PMID: 16199547), and loss-of-function variants in ZMYND10 are known to be pathogenic (PMID: 23891469, 23891471). This variant is not present in population databases (gnomAD no frequency). This variant has not been reported in the literature in individuals affected with ZMYND10-related conditions. Algorithms developed to predict the effect of sequence changes on RNA splicing suggest that this variant may disrupt the consensus splice site. In summary, the currently available evidence indicates that the variant is pathogenic, but additional data are needed to prove that conclusively. Therefore, this variant has been classified as Likely Pathogenic.

Literature cited by the submitters: PubMed 16199547; PubMed 23891469; PubMed 23891471.